The following is an entry in ClinVar:

ClinVar aggregate classification (germline): Uncertain significance. Review status: criteria provided, multiple submitters, no conflicts (2 of 4 stars). 2 submissions from 2 submitters: Uncertain significance (2). Last evaluated 2025-07-11.

Conditions:
Hereditary cancer-predisposing syndrome. Also called: Hereditary Cancer Syndrome; Hereditary neoplastic syndrome; Tumor predisposition; Neoplastic Syndromes, Hereditary. Identifiers: Orphanet 140162, MedGen C0027672, MeSH D009386, MONDO:0015356.

Submissions (2):

Ambry Genetics
Classification: Uncertain significance for Hereditary cancer-predisposing syndrome. Last evaluated: 2025-07-11. Review status: criteria provided, single submitter. Criteria: Ambry Variant Classification Scheme 2023. Collection method: clinical testing. Allele origin: germline.
Comment: The p.R6P variant (also known as c.17G>C), located in coding exon 1 of the FH gene, results from a G to C substitution at nucleotide position 17. The arginine at codon 6 is replaced by proline, an amino acid with dissimilar properties. This amino acid position is not well conserved in available vertebrate species. In addition, this alteration is predicted to be deleterious by in silico analysis. Based on the available evidence, the clinical significance of this variant remains unclear.

Labcorp Genetics (formerly Invitae), Labcorp
Classification: Uncertain significance. Last evaluated: 2022-11-15. Review status: criteria provided, single submitter. Criteria: Invitae Variant Classification Sherloc (09022015). Collection method: clinical testing. Allele origin: germline.
Comment: In summary, the available evidence is currently insufficient to determine the role of this variant in disease. Therefore, it has been classified as a Variant of Uncertain Significance. Advanced modeling of protein sequence and biophysical properties (such as structural, functional, and spatial information, amino acid conservation, physicochemical variation, residue mobility, and thermodynamic stability) performed at Invitae indicates that this missense variant is not expected to disrupt FH protein function. This variant has not been reported in the literature in individuals affected with FH-related conditions. This variant is not present in population databases (gnomAD no frequency). This sequence change replaces arginine, which is basic and polar, with proline, which is neutral and non-polar, at codon 6 of the FH protein (p.Arg6Pro).

NM_000143.4(FH):c.17G>C (p.Arg6Pro)

Gene: FH (fumarate hydratase; minus strand). Cytogenetic location: 1q43.
Variant type: single nucleotide variant.
Coding change: c.17G>C on transcript NM_000143.4 (MANE Select); coding-DNA position 17, G replaced by C.
Protein change: p.Arg6Pro; replaces arginine 6 with proline.
Molecular consequence: missense variant.
Genome position (GRCh38, 1-based): chr1:241,519,706, C>G on the plus strand (G>C on the coding strand, the complement: FH is on the minus strand). VCF-style: chr1-241519706-C-G. GRCh37 (hg19) VCF-style: chr1-241683006-C-G.
Other names: short protein forms R6P.
Identifiers: ClinVar variation 2905919 (VCV002905919.4), dbSNP rs2527345698, ClinGen allele CA345443078.